The following is an entry in ClinVar:

NM_000465.4(BARD1):c.1949A>T (p.Lys650Met)

Gene: BARD1 (BRCA1 associated RING domain 1; minus strand). Cytogenetic location: 2q35.
Variant type: single nucleotide variant.
Coding change: c.1949A>T on transcript NM_000465.4 (MANE Select); coding-DNA position 1949, A replaced by T.
Protein change: p.Lys650Met; replaces lysine 650 with methionine.
Molecular consequence: missense variant. On other transcripts: non-coding transcript variant (3).
Genome position (GRCh38, 1-based): chr2:214,730,463, T>A on the plus strand (A>T on the coding strand, the complement: BARD1 is on the minus strand). VCF-style: chr2-214730463-T-A. GRCh37 (hg19) VCF-style: chr2-215595187-T-A.
Other names: c.1892A>T, p.Lys631Met (NM_001282543.2); c.596A>T, p.Lys199Met (NM_001282545.2); c.539A>T, p.Lys180Met (NM_001282548.2); c.410A>T, p.Lys137Met (NM_001282549.2); short protein forms K650M, K180M, K137M, K199M, K631M.
Identifiers: ClinVar variation 231202 (VCV000231202.5), dbSNP rs876659021, ClinGen allele CA10577776.

ClinVar aggregate classification (germline): Uncertain significance (1 of 4 stars; one submission).

Conditions:
Hereditary cancer-predisposing syndrome. Also called: Neoplastic Syndromes, Hereditary; Tumor predisposition; Hereditary Cancer Syndrome; Hereditary neoplastic syndrome. Identifiers: Orphanet 140162, MedGen C0027672, MeSH D009386, MONDO:0015356.

Submission:

Ambry Genetics
Classification: Uncertain significance for Hereditary cancer-predisposing syndrome. Last evaluated: 2015-04-07. Review status: criteria provided, single submitter. Criteria: Ambry Variant Classification Scheme 2023. Collection method: clinical testing. Allele origin: germline.
Comment: The p.K650M variant (also known as c.1949A>T), located in coding exon 10 of the BARD1 gene, results from an A to T substitution at nucleotide position 1949. The lysine at codon 650 is replaced by methionine, an amino acid with similar properties. This variant was not reported in population based cohorts in the following databases: Database of Single Nucleotide Polymorphisms (dbSNP), NHLBI Exome Sequencing Project (ESP), and 1000 Genomes Project. In the ESP, this variant was not observed in 6503 samples (13006 alleles) with coverage at this position. To date, this alteration has been detected with an allele frequency of approximately 0.003% (greater than 40000 alleles tested) in our clinical cohort. This amino acid position is not well conserved in available vertebrate species. In addition, this alteration is predicted to be tolerated by in silico analysis. Since supporting evidence is limited at this time, the clinical significance of p.K650M remains unclear.